The following is an entry in ClinVar:

ClinVar aggregate classification (germline): Conflicting classifications of pathogenicity. Review status: criteria provided, conflicting classifications (1 of 4 stars). 2 submissions from 2 submitters: Uncertain significance (1); Likely benign (1). Last evaluated 2025-11-16.

Allele frequency attached by ClinVar (database versions not stated): gnomAD 0.00001; gnomAD exomes 0.00002; ExAC 0.00003.
gnomAD v4.1: 12 of 1,613,758 alleles (0.00074%); highest among the groups gnomAD compares: East Asian, 0.0089%; no homozygotes.

Submissions (2):

Labcorp Genetics (formerly Invitae), Labcorp
Classification: Uncertain significance. Last evaluated: 2025-11-16. Review status: criteria provided, single submitter. Criteria: Invitae Variant Classification Sherloc (09022015). Collection method: clinical testing. Allele origin: germline.
Comment: This sequence change replaces asparagine, which is neutral and polar, with serine, which is neutral and polar, at codon 828 of the GEN1 protein (p.Asn828Ser). This variant is present in population databases (rs763819025, gnomAD 0.03%). This variant has not been reported in the literature in individuals affected with GEN1-related conditions. ClinVar contains an entry for this variant (Variation ID: 1375786). An algorithm developed to predict the effect of missense changes on protein structure and function outputs the following: PolyPhen-2: "Benign". The serine amino acid residue is found in multiple mammalian species, which suggests that this missense change does not adversely affect protein function. In summary, the available evidence is currently insufficient to determine the role of this variant in disease. Therefore, it has been classified as a Variant of Uncertain Significance.

Ambry Genetics
Classification: Likely benign. Last evaluated: 2025-05-15. Review status: criteria provided, single submitter. Criteria: Ambry Variant Classification Scheme 2023. Collection method: clinical testing. Allele origin: germline.

NM_001130009.3(GEN1):c.2483A>G (p.Asn828Ser)

Gene: GEN1 (GEN1 structure-specific endonuclease; plus strand). Cytogenetic location: 2p24.2.
Variant type: single nucleotide variant.
Coding change: c.2483A>G on transcript NM_001130009.3 (MANE Select); coding-DNA position 2483, A replaced by G.
Protein change: p.Asn828Ser; replaces asparagine 828 with serine.
Molecular consequence: missense variant.
Genome position (GRCh38, 1-based): chr2:17,781,695, A>G. VCF-style: chr2-17781695-A-G. GRCh37 (hg19) VCF-style: chr2-17962962-A-G.
Other names: c.2483A>G (NM_001130009.1); c.2483A>G, p.Asn828Ser (NM_182625.5); short protein forms N828S.
Identifiers: ClinVar variation 1375786 (VCV001375786.7), dbSNP rs763819025, ClinGen allele CA1540967.